The following is an entry in ClinVar:

ClinVar aggregate classification (germline): Uncertain significance (1 of 4 stars; one submission).

Conditions:
Immunodeficiency 39 (IMD39). Identifiers: Orphanet 574918, MedGen C4225358, MONDO:0014597, OMIM 616345.

Allele frequency attached by ClinVar (database versions not stated): TOPMed below 0.00001; gnomAD 0.00001.

Submission:

Labcorp Genetics (formerly Invitae), Labcorp
Classification: Uncertain significance for Immunodeficiency 39. Last evaluated: 2022-08-09. Review status: criteria provided, single submitter. Criteria: Invitae Variant Classification Sherloc (09022015). Collection method: clinical testing. Allele origin: germline.
Comment: This sequence change replaces alanine, which is neutral and non-polar, with valine, which is neutral and non-polar, at codon 158 of the IRF7 protein (p.Ala158Val). This variant is not present in population databases (gnomAD no frequency). This variant has not been reported in the literature in individuals affected with IRF7-related conditions. ClinVar contains an entry for this variant (Variation ID: 1036790). Algorithms developed to predict the effect of missense changes on protein structure and function output the following: SIFT: "Tolerated"; PolyPhen-2: "Benign"; Align-GVGD: "Class C0". The valine amino acid residue is found in multiple mammalian species, which suggests that this missense change does not adversely affect protein function. In summary, the available evidence is currently insufficient to determine the role of this variant in disease. Therefore, it has been classified as a Variant of Uncertain Significance.

NM_001572.5(IRF7):c.434C>T (p.Ala145Val)

Gene: IRF7 (interferon regulatory factor 7; minus strand). Cytogenetic location: 11p15.5.
Variant type: single nucleotide variant.
Coding change: c.434C>T on transcript NM_001572.5 (MANE Select); coding-DNA position 434, C replaced by T.
Protein change: p.Ala145Val; replaces alanine 145 with valine.
Molecular consequence: missense variant.
Genome position (GRCh38, 1-based): chr11:614,495, G>A on the plus strand (C>T on the coding strand, the complement: IRF7 is on the minus strand). VCF-style: chr11-614495-G-A. GRCh37 (hg19) VCF-style: chr11-614495-G-A.
Other names: c.434C>T, p.Ala145Val (NM_004029.4); c.473C>T, p.Ala158Val (NM_004031.4); short protein forms A158V, A145V.
Identifiers: ClinVar variation 1036790 (VCV001036790.8), dbSNP rs982671732, ClinGen allele CA216912468.